The following is an entry in ClinVar:

NM_001244008.2(KIF1A):c.323T>C (p.Met108Thr)

Gene: KIF1A (kinesin family member 1A; minus strand). Cytogenetic location: 2q37.3.
Variant type: single nucleotide variant.
Coding change: c.323T>C on transcript NM_001244008.2 (MANE Select); coding-DNA position 323, T replaced by C.
Protein change: p.Met108Thr; replaces methionine 108 with threonine.
Molecular consequence: missense variant.
Genome position (GRCh38, 1-based): chr2:240,788,091, A>G on the plus strand (T>C on the coding strand, the complement: KIF1A is on the minus strand). VCF-style: chr2-240788091-A-G. GRCh37 (hg19) VCF-style: chr2-241727508-A-G.
Other names: c.323T>C, p.Met108Thr (NM_001320705.2, NM_001330289.2, NM_001330290.2 and 20 more transcripts); short protein forms M108T.
Identifiers: ClinVar variation 4845676 (VCV004845676.1).

ClinVar aggregate classification (germline): Likely pathogenic (1 of 4 stars; one submission).

Conditions:
Neuropathy, hereditary sensory, type 2C. Also called: Hereditary sensory and autonomic neuropathy type IIC; KIF1A-Related HSAN2 (HSAN2C). Identifiers: Orphanet 970, MedGen C3280168, MONDO:0013634, OMIM 614213.
Spastic paraplegia 30B, autosomal recessive. Identifiers: MedGen C5935571, MONDO:0971149, OMIM 620607.

Submission:

First Genomix Gene Laboratory, Genetic Diagnostics Department
Classification: Likely pathogenic for Neuropathy, hereditary sensory, type 2C; Spastic paraplegia 30B, autosomal recessive. Last evaluated: 2025-01-14. Review status: criteria provided, single submitter. Criteria: ACMG Guidelines, 2015. Collection method: clinical testing. Allele origin: germline. Inheritance: Autosomal recessive inheritance. Affected: no. Observed: 1 variant allele.